The following is an entry in ClinVar:

ClinVar aggregate classification (germline): Pathogenic (1 of 4 stars; one submission).

Conditions:
Hereditary breast ovarian cancer syndrome. Also called: Hereditary breast and/or ovarian cancer syndrome; Hereditary breast and ovarian cancer syndrome; Breast and ovarian cancer; Hereditary breast and ovarian cancer syndrome (HBOC); BRCA1- and BRCA2-Associated Hereditary Breast and Ovarian Cancer; Hereditary breast and ovarian cancer. Identifiers: Orphanet 145, MedGen C0677776, MeSH D061325, MONDO:0003582. Disease mechanism: loss of function.

Submission:

Labcorp Genetics (formerly Invitae), Labcorp
Classification: Pathogenic for Hereditary breast ovarian cancer syndrome. Last evaluated: 2025-11-02. Review status: criteria provided, single submitter. Criteria: Invitae Variant Classification Sherloc (09022015). Collection method: clinical testing. Allele origin: germline.
Comment: This sequence change creates a premature translational stop signal (p.Asn1075delinsSerArgThrArg*) in the BRCA1 gene. It is expected to result in an absent or disrupted protein product. Loss-of-function variants in BRCA1 are known to be pathogenic (PMID: 20104584). This variant is not present in population databases (gnomAD no frequency). This variant has not been reported in the literature in individuals affected with BRCA1-related conditions. For these reasons, this variant has been classified as Pathogenic.

Literature cited by the submitters: PubMed 20104584.

NM_007294.4(BRCA1):c.3208_3223dup (p.Asn1075delinsSerArgThrArgTer)

Genes: BRCA1 (BRCA1 DNA repair associated; minus strand), LOC126862571 (BRD4-independent group 4 enhancer GRCh37_chr17:41243136-41244335; plus strand). Cytogenetic location: 17q21.31.
Variant type: Duplication.
Coding change: c.3208_3223dup on transcript NM_007294.4 (MANE Select); coding-DNA positions 3208 to 3223, 16 bases duplicated (GCAGAACTAGGTAGAA).
Protein change: p.Asn1075delinsSerArgThrArgTer.
Molecular consequence: nonsense. On other transcripts: intron variant (137).
Genome position (GRCh38, 1-based): chr17:43,092,308-43,092,323, TTCTACCTAGTTCTGC duplicated on the plus strand (GCAGAACTAGGTAGAA on the coding strand, the reverse complement: BRCA1 is on the minus strand); duplicating any 16 consecutive bases within chr17:43,092,308-43,092,325 gives the same sequence; the c. name uses the placement nearest the transcript's 3' end. VCF-style (leftmost placement, unchanged base first): chr17-43092307-T-TTTCTACCTAGTTCTGC. GRCh37 (hg19) VCF-style: chr17-41244324-T-TTTCTACCTAGTTCTGC.
Other names: c.2995_3010dup, p.Asn1004delinsSerArgThrArgTer (NM_001407571.1, NM_001407853.1, NM_001407894.1 and 9 more transcripts); c.3208_3223dup, p.Asn1075delinsSerArgThrArgTer (NM_001407581.1, NM_001407582.1, NM_001407583.1 and 30 more transcripts); c.3205_3220dup, p.Asn1074delinsSerArgThrArgTer (NM_001407587.1, NM_001407590.1, NM_001407591.1 and 22 more transcripts); c.3199_3214dup, p.Asn1072delinsSerArgThrArgTer (NM_001407646.1, NM_001407647.1); c.3085_3100dup, p.Asn1034delinsSerArgThrArgTer (NM_001407648.1, NM_001407664.1, NM_001407665.1 and 19 more transcripts); c.3082_3097dup, p.Asn1033delinsSerArgThrArgTer (NM_001407649.1, NM_001407670.1, NM_001407671.1 and 11 more transcripts); c.3130_3145dup, p.Asn1049delinsSerArgThrArgTer (NM_001407653.1, NM_001407654.1, NM_001407655.1 and 4 more transcripts); c.3127_3142dup, p.Asn1048delinsSerArgThrArgTer (NM_001407659.1, NM_001407660.1, NM_001407661.1 and 1 more transcripts); and 41 more.
Identifiers: ClinVar variation 4730322 (VCV004730322.1).